The following is an entry in ClinVar:

ClinVar aggregate classification (germline): Pathogenic/Likely pathogenic. Review status: criteria provided, multiple submitters, no conflicts (2 of 4 stars). 6 submissions from 6 submitters: Pathogenic (4); Likely pathogenic (2). Last evaluated 2025-12-30.

Conditions:
Complex neurodevelopmental disorder. Identifiers: Orphanet 528084, MedGen C5568766, MONDO:0100038.
SCN2A-related disorder. Also called: SCN2A-related disorders; SCN2A-related condition. Identifiers: MedGen CN382226, MONDO:1060245.
Developmental and epileptic encephalopathy, 11 (DEE11). Also called: Early infantile epileptic encephalopathy 11. Identifiers: Orphanet 1934, MedGen C3150987, MONDO:0013388, OMIM 613721.
Seizures, benign familial infantile, 3 (BFIS3). Also called: Familial neonatal seizures; CONVULSIONS, BENIGN FAMILIAL INFANTILE, 3. Identifiers: Orphanet 140927, Orphanet 306, MedGen C1843140, MONDO:0011904, OMIM 607745.
Seizure. Also called: Seizures. Identifiers: MedGen C0036572, HP:0001250.

Submissions (6):

Labcorp Genetics (formerly Invitae), Labcorp
Classification: Pathogenic for Seizures, benign familial infantile, 3; Developmental and epileptic encephalopathy, 11. Last evaluated: 2025-12-30. Review status: criteria provided, single submitter. Criteria: Invitae Variant Classification Sherloc (09022015). Collection method: clinical testing. Allele origin: germline.
Comment: This sequence change replaces arginine, which is basic and polar, with glutamine, which is neutral and polar, at codon 856 of the SCN2A protein (p.Arg856Gln). This variant is not present in population databases (gnomAD no frequency). This missense change has been observed in individual(s) with SCN2A-related conditions (PMID: 27781031, 30859550). In at least one individual the variant was observed to be de novo. ClinVar contains an entry for this variant (Variation ID: 212125). Invitae Evidence Modeling of protein sequence and biophysical properties (such as structural, functional, and spatial information, amino acid conservation, physicochemical variation, residue mobility, and thermodynamic stability) indicates that this missense variant is expected to disrupt SCN2A protein function with a positive predictive value of 95%. This variant disrupts the p.Arg856 amino acid residue in SCN2A. Other variant(s) that disrupt this residue have been observed in individuals with SCN2A-related conditions (PMID: 26291284), which suggests that this may be a clinically significant amino acid residue. For these reasons, this variant has been classified as Pathogenic.

3billion
Classification: Likely pathogenic for SCN2A-related disorder. Last evaluated: 2025-12-19. Review status: criteria provided, single submitter. Criteria: ACMG Guidelines, 2015. Collection method: clinical testing. Allele origin: germline. Affected: yes.
Comment: The variant is not observed in the gnomAD v4.1.0 dataset. Predicted Consequence/Location: Missense variant In silico tool predictions suggest damaging effect of the variant on gene or gene product [REVEL: 0.97 (>=0.6, sensitivity 0.68 and specificity 0.92); 3Cnet: 1.00 (> 0.75, sensitivity 0.96 and precision 0.92)]. The same nucleotide change resulting in the same amino acid change has been previously reported as pathogenic/likely pathogenic with strong evidence (ClinVar ID: VCV000212125 /PMID: 27781031). A different missense change at the same codon (p.Arg856Leu) has been reported to be associated with SCN2A-related disorder (PMID: 26291284). Therefore, this variant is classified as Likely pathogenic according to the recommendation of ACMG/AMP guideline.

Rady Children's Institute for Genomic Medicine, Rady Children's Hospital San Diego
Classification: Pathogenic for SCN2A-related disorders. Last evaluated: 2024-05-07. Review status: criteria provided, single submitter. Criteria: ACMG Guidelines, 2015. Collection method: clinical testing. Allele origin: germline. Affected: yes.
Comment: The SCN2A gene is constrained against variation (Z-score= 8.73 and pLI = 1), and missense variants are a common mechanism of disease (PMID: 35431799, 26291284). The c.2567G>A (p.Arg856Gln) variant affects a highly conserved amino acid and is predicted by multiple in silico tools to have a deleterious effect on protein function. This variant has been previously reported as a de novo heterozygous change in individuals with SCN2A-related disorders (PMID: 27781031, 28379373, 30859550, 32090326). A different amino acid change at the same residue (p.Arg856Leu) has been previously reported in individuals with SCN2A-related disorders (PMID: 26291284, 32090326). The c.2567G>A (p.Arg856Gln) variant is absent from the gnomAD v4 population database and thus is presumed to be rare. Analysis of the parental samples was negative for the variant, indicating this variant likely occurred as a de novo event. Based on the available evidence, c.2567G>A (p.Arg856Gln) is classified as Pathogenic.

Blueprint Genetics
Classification: Pathogenic for SCN2A-related disorders. Last evaluated: 2023-08-04. Review status: criteria provided, single submitter. Criteria: ACMG Guidelines, 2015. Collection method: clinical testing. Allele origin: de novo. Affected: yes. Observed: 1 variant allele.

GeneDx
Classification: Pathogenic. Last evaluated: 2021-11-22. Review status: criteria provided, single submitter. Criteria: GeneDx Variant Classification Process June 2021. Collection method: clinical testing. Allele origin: germline. Affected: yes.
Comment: Not observed at significant frequency in large population cohorts (gnomAD); Missense variants in this gene are often considered pathogenic (HGMD); In silico analysis supports that this missense variant has a deleterious effect on protein structure/function; This variant is associated with the following publications: (PMID: 32090326, 27781031, 28379373, 30859550, 31558572)

Genetic Services Laboratory, University of Chicago
Classification: Likely pathogenic for Seizures. Last evaluated: 2014-04-21. Review status: criteria provided, single submitter. Criteria: ACMG Guidelines, 2007. Collection method: clinical testing. Allele origin: germline. Affected: yes.

Literature cited by the submitters: PubMed 27781031 (cited by Labcorp Genetics (formerly Invitae), Labcorp and 3billion); PubMed 30859550 (cited by Labcorp Genetics (formerly Invitae), Labcorp); PubMed 26291284 (cited by Labcorp Genetics (formerly Invitae), Labcorp and 3billion).

NM_001040142.2(SCN2A):c.2567G>A (p.Arg856Gln)

Gene: SCN2A (sodium voltage-gated channel alpha subunit 2; plus strand). Cytogenetic location: 2q24.3.
Variant type: single nucleotide variant.
Coding change: c.2567G>A on transcript NM_001040142.2 (MANE Select); coding-DNA position 2567, G replaced by A.
Protein change: p.Arg856Gln; replaces arginine 856 with glutamine.
Molecular consequence: missense variant.
Genome position (GRCh38, 1-based): chr2:165,344,559, G>A. VCF-style: chr2-165344559-G-A. GRCh37 (hg19) VCF-style: chr2-166201069-G-A.
Other names: c.2567G>A, p.Arg856Gln (NM_001040143.2, NM_001371246.1, NM_001371247.1 and 1 more transcripts); short protein forms R856Q.
Identifiers: ClinVar variation 212125 (VCV000212125.23), dbSNP rs797045942, ClinGen allele CA207842.